The following is an entry in ClinVar:

NM_001003722.2(GLE1):c.222G>A (p.Thr74=)

Gene: GLE1 (GLE1 RNA export mediator; plus strand). Cytogenetic location: 9q34.11.
Variant type: single nucleotide variant.
Coding change: c.222G>A on transcript NM_001003722.2 (MANE Select); coding-DNA position 222, G replaced by A.
Protein change: p.Thr74=; no amino-acid change (threonine 74 retained).
Molecular consequence: synonymous variant.
Genome position (GRCh38, 1-based): chr9:128,508,998, G>A. VCF-style: chr9-128508998-G-A. GRCh37 (hg19) VCF-style: chr9-131271277-G-A.
Other names: c.222G>A (NM_001003722.1); c.222G>A, p.Thr74= (NM_001499.2).
Identifiers: ClinVar variation 1168296 (VCV001168296.11), dbSNP rs533223796, ClinGen allele CA5263502.

ClinVar aggregate classification (germline): Benign. Review status: criteria provided, single submitter (1 of 4 stars). 2 submissions from 2 submitters: Benign (1). 1 of the submissions does not count toward it. Last evaluated 2026-01-27.

Conditions:
GLE1-related disorder. Also called: GLE1-related disorders; GLE1-related condition.

Allele frequency attached by ClinVar (database versions not stated): TOPMed below 0.00001; gnomAD 0.00001; gnomAD exomes 0.00005 and 0.00006; ExAC 0.00009; 1000 Genomes Project 30x 0.00016; 1000 Genomes Project 0.00020.
gnomAD v4.1: 76 of 1,613,032 alleles (0.0047%); highest among the groups gnomAD compares: South Asian, 0.072%; 1 homozygote.

Submissions (2):

Labcorp Genetics (formerly Invitae), Labcorp
Classification: Benign. Last evaluated: 2026-01-27. Review status: criteria provided, single submitter. Criteria: Invitae Variant Classification Sherloc (09022015). Collection method: clinical testing. Allele origin: germline.

PreventionGenetics, part of Exact Sciences
Classification: Likely benign for GLE1-related condition. Last evaluated: 2019-04-25. Review status: no assertion criteria provided. Collection method: clinical testing. Allele origin: germline. Not counted in ClinVar's aggregate classification.
Comment: This variant is classified as likely benign based on ACMG/AMP sequence variant interpretation guidelines (Richards et al. 2015 PMID: 25741868, with internal and published modifications).